The following is an entry in ClinVar:

ClinVar aggregate classification (germline): Uncertain significance (1 of 4 stars; one submission).

Allele frequency attached by ClinVar (database versions not stated): gnomAD 0.00001; gnomAD exomes 0.00001; TOPMed 0.00001.

Submission:

Labcorp Genetics (formerly Invitae), Labcorp
Classification: Uncertain significance. Last evaluated: 2022-03-14. Review status: criteria provided, single submitter. Criteria: Invitae Variant Classification Sherloc (09022015). Collection method: clinical testing. Allele origin: germline.
Comment: This sequence change replaces valine, which is neutral and non-polar, with methionine, which is neutral and non-polar, at codon 300 of the DNASE2 protein (p.Val300Met). This variant is present in population databases (rs35851337, gnomAD 0.003%). This variant has not been reported in the literature in individuals affected with DNASE2-related conditions. This variant is also known as Val284Met. Algorithms developed to predict the effect of missense changes on protein structure and function are either unavailable or do not agree on the potential impact of this missense change (SIFT: "Deleterious"; PolyPhen-2: "Probably Damaging"; Align-GVGD: "Class C15"). Experimental studies have shown that this missense change affects DNASE2 function (PMID: 19850016, 23019102, 24242851). In summary, the available evidence is currently insufficient to determine the role of this variant in disease. Therefore, it has been classified as a Variant of Uncertain Significance.

Literature cited by the submitters: PubMed 19850016; PubMed 23019102; PubMed 24242851.

NM_001375.3(DNASE2):c.898G>A (p.Val300Met)

Gene: DNASE2 (deoxyribonuclease 2, lysosomal; minus strand). Cytogenetic location: 19p13.13.
Variant type: single nucleotide variant.
Coding change: c.898G>A on transcript NM_001375.3 (MANE Select); coding-DNA position 898, G replaced by A.
Protein change: p.Val300Met; replaces valine 300 with methionine.
Molecular consequence: missense variant.
Genome position (GRCh38, 1-based): chr19:12,876,175, C>T on the plus strand (G>A on the coding strand, the complement: DNASE2 is on the minus strand). VCF-style: chr19-12876175-C-T. GRCh37 (hg19) VCF-style: chr19-12986989-C-T.
Other names: short protein forms V300M.
Identifiers: ClinVar variation 2138240 (VCV002138240.1), dbSNP rs35851337, ClinGen allele CA305497443.
Genomic context (GRCh38, chr19:12,876,175, plus strand): 5'-GCTCCTCTCCCTGGTTCCGATTCATGTCACCCACGCAGGTCCAGGGCCCTTTTGGGGACA[C>T]GCACCATTTGGAGTGGTCCTCTGTGCTGTTGAAGCTTGGGCCGGCTGGTCCAGGGAAAGC-3'
Protein context (NP_001366.1, residues 290-310): NSTEDHSKWC[Val300Met]SPKGPWTCVG